The following is an entry in ClinVar:

NM_021930.6(RINT1):c.158C>T (p.Pro53Leu)

Gene: RINT1 (RAD50 interactor 1; plus strand). Cytogenetic location: 7q22.3.
Variant type: single nucleotide variant.
Coding change: c.158C>T on transcript NM_021930.6 (MANE Select); coding-DNA position 158, C replaced by T.
Protein change: p.Pro53Leu; replaces proline 53 with leucine.
Molecular consequence: missense variant. On other transcripts: 5 prime UTR variant (3), non-coding transcript variant (1), intron variant (1).
Genome position (GRCh38, 1-based): chr7:105,536,634, C>T. VCF-style: chr7-105536634-C-T. GRCh37 (hg19) VCF-style: chr7-105177081-C-T.
Other names: c.-862C>T (NM_001346600.2); c.-765C>T (NM_001346601.2); c.-385C>T (NM_001346603.2); c.39+22C>T (NM_001346599.2); short protein forms P53L.
Identifiers: ClinVar variation 3314457 (VCV003314457.1).

ClinVar aggregate classification (germline): Uncertain significance (1 of 4 stars; one submission).

Submission:

Ambry Genetics
Classification: Uncertain significance. Last evaluated: 2024-04-24. Review status: criteria provided, single submitter. Criteria: Ambry Variant Classification Scheme 2023. Collection method: clinical testing. Allele origin: germline.
Comment: The p.P53L variant (also known as c.158C>T), located in coding exon 3 of the RINT1 gene, results from a C to T substitution at nucleotide position 158. The proline at codon 53 is replaced by leucine, an amino acid with similar properties. This amino acid position is conserved. In addition, this alteration is predicted to be tolerated by in silico analysis. Based on the available evidence, the clinical significance of this variant remains unclear.